The following is an entry in ClinVar:

ClinVar aggregate classification (germline): Likely benign. Review status: criteria provided, multiple submitters, no conflicts (2 of 4 stars). 5 submissions from 5 submitters: Likely benign (5). Last evaluated 2025-12-29.

Allele frequency attached by ClinVar (database versions not stated): gnomAD 0.00002 and 0.00004; TOPMed 0.00010.
gnomAD v4.1: 43 of 1,566,790 alleles (0.0027%); highest among the groups gnomAD compares: Middle Eastern, 0.018%; 1 homozygote.

Submissions (5):

Labcorp Genetics (formerly Invitae), Labcorp
Classification: Likely benign. Last evaluated: 2025-12-29. Review status: criteria provided, single submitter. Criteria: Invitae Variant Classification Sherloc (09022015). Collection method: clinical testing. Allele origin: germline.

Blueprint Genetics
Classification: Likely benign. Last evaluated: 2024-11-19. Review status: criteria provided, single submitter. Criteria: ACMG Guidelines, 2015. Collection method: clinical testing. Allele origin: germline.

Women's Health and Genetics/Laboratory Corporation of America, LabCorp
Classification: Likely benign. Last evaluated: 2024-06-19. Review status: criteria provided, single submitter. Criteria: LabCorp Variant Classification Summary - May 2015. Collection method: clinical testing. Allele origin: germline.

GeneDx
Classification: Likely benign. Last evaluated: 2017-05-08. Review status: criteria provided, single submitter. Criteria: GeneDx Variant Classification (06012015). Collection method: clinical testing. Allele origin: germline. Affected: yes.
Comment: This variant is considered likely benign or benign based on one or more of the following criteria: it is a conservative change, it occurs at a poorly conserved position in the protein, it is predicted to be benign by multiple in silico algorithms, and/or has population frequency not consistent with disease.

Breakthrough Genomics
Classification: Likely benign. Review status: criteria provided, single submitter. Criteria: ACMG Guidelines, 2015. Collection method: not provided. Allele origin: germline. Inheritance: Autosomal recessive inheritance. Affected: yes.

NM_001854.4(COL11A1):c.275-14C>T

Gene: COL11A1 (collagen type XI alpha 1 chain; minus strand). Cytogenetic location: 1p21.1.
Variant type: single nucleotide variant.
Coding change: c.275-14C>T on transcript NM_001854.4 (MANE Select); 14 bases into the intron before coding-DNA position 275, C replaced by T.
Molecular consequence: intron variant.
Genome position (GRCh38, 1-based): chr1:103,078,885, G>A on the plus strand (C>T on the coding strand, the complement: COL11A1 is on the minus strand). VCF-style: chr1-103078885-G-A. GRCh37 (hg19) VCF-style: chr1-103544441-G-A.
Other names: c.275-14C>T (NM_001190709.2, NM_080629.3, NM_080630.4).
Identifiers: ClinVar variation 509423 (VCV000509423.12), dbSNP rs370321983, ClinGen allele CA975491.